The following is an entry in ClinVar:

NM_198076.6(COX20):c.30C>G (p.Pro10=)

Genes: COX20 (cytochrome c oxidase assembly factor COX20; plus strand), LOC129932912 (ATAC-STARR-seq lymphoblastoid silent region 2019; plus strand). Cytogenetic location: 1q44.
Variant type: single nucleotide variant.
Coding change: c.30C>G on transcript NM_198076.6 (MANE Select); coding-DNA position 30, C replaced by G.
Protein change: p.Pro10=; no amino-acid change (proline 10 retained).
Molecular consequence: synonymous variant. On other transcripts: non-coding transcript variant (1), intron variant (1).
Genome position (GRCh38, 1-based): chr1:244,835,744, C>G. VCF-style: chr1-244835744-C-G. GRCh37 (hg19) VCF-style: chr1-244999046-C-G.
Other names: c.30C>G, p.Pro10= (NM_001312871.1, NM_001312872.1, NM_001312874.1); c.22+8C>G (NM_001312873.1).
Identifiers: ClinVar variation 509566 (VCV000509566.2), dbSNP rs924119045, ClinGen allele CA41129602.

ClinVar aggregate classification (germline): Likely benign. Review status: criteria provided, multiple submitters, no conflicts (2 of 4 stars). 2 submissions from 2 submitters: Likely benign (2). Last evaluated 2025-08-18.

Allele frequency attached by ClinVar (database versions not stated): gnomAD 0.00001 and 0.00003; TOPMed 0.00002.
gnomAD v4.1: 25 of 1,271,152 alleles (0.002%); highest among the groups gnomAD compares: Middle Eastern, 0.025%; no homozygotes.

Submissions (2):

Labcorp Genetics (formerly Invitae), Labcorp
Classification: Likely benign. Last evaluated: 2025-08-18. Review status: criteria provided, single submitter. Criteria: Invitae Variant Classification Sherloc (09022015). Collection method: clinical testing. Allele origin: germline.

GeneDx
Classification: Likely benign. Last evaluated: 2017-03-31. Review status: criteria provided, single submitter. Criteria: GeneDx Variant Classification (06012015). Collection method: clinical testing. Allele origin: germline. Affected: yes.
Comment: This variant is considered likely benign or benign based on one or more of the following criteria: it is a conservative change, it occurs at a poorly conserved position in the protein, it is predicted to be benign by multiple in silico algorithms, and/or has population frequency not consistent with disease.